The following is an entry in ClinVar:

ClinVar aggregate classification (germline): Uncertain significance (0 of 4 stars; one submission).

Conditions:
COL5A1-related disorder. Also called: COL5A1-related condition.

Allele frequency attached by ClinVar (database versions not stated): TOPMed below 0.00001; gnomAD 0.00001.
gnomAD v4.1: 3 of 1,613,818 alleles (0.00019%); highest among the groups gnomAD compares: East Asian, 0.0022%; no homozygotes.

Submission:

PreventionGenetics, part of Exact Sciences
Classification: Uncertain significance for COL5A1-related condition. Last evaluated: 2024-01-24. Review status: no assertion criteria provided. Collection method: clinical testing. Allele origin: germline.
Comment: The COL5A1 c.3154C>T variant is predicted to result in the amino acid substitution p.Pro1052Ser. To our knowledge, this variant has not been reported in the literature. This variant is reported in 0.0033% of alleles in individuals of South Asian descent in gnomAD. At this time, the clinical significance of this variant is uncertain due to the absence of conclusive functional and genetic evidence.

NM_000093.5(COL5A1):c.3154C>T (p.Pro1052Ser)

Gene: COL5A1 (collagen type V alpha 1 chain; plus strand). Cytogenetic location: 9q34.3.
Variant type: single nucleotide variant.
Coding change: c.3154C>T on transcript NM_000093.5 (MANE Select); coding-DNA position 3154, C replaced by T.
Protein change: p.Pro1052Ser; replaces proline 1052 with serine.
Molecular consequence: missense variant.
Genome position (GRCh38, 1-based): chr9:134,805,014, C>T. VCF-style: chr9-134805014-C-T. GRCh37 (hg19) VCF-style: chr9-137696860-C-T.
Other names: c.3154C>T, p.Pro1052Ser (NM_001278074.1); short protein forms P1052S.
Identifiers: ClinVar variation 3054682 (VCV003054682.2), dbSNP rs1372739844, ClinGen allele CA375450438.